The following is an entry in ClinVar:

ClinVar aggregate classification (germline): Uncertain significance (1 of 4 stars; one submission).

Conditions:
Hereditary breast ovarian cancer syndrome. Also called: BRCA1- and BRCA2-Associated Hereditary Breast and Ovarian Cancer; Hereditary breast and ovarian cancer; Hereditary breast and ovarian cancer syndrome; Hereditary breast and ovarian cancer syndrome (HBOC); Breast and ovarian cancer; Hereditary breast and/or ovarian cancer syndrome. Identifiers: Orphanet 145, MedGen C0677776, MeSH D061325, MONDO:0003582. Disease mechanism: loss of function.

Allele frequency attached by ClinVar (database versions not stated): gnomAD exomes below 0.00001; gnomAD 0.00001.
gnomAD v4.1: 2 of 1,614,124 alleles (0.00012%); highest among the groups gnomAD compares: African/African-American, 0.0013%; no homozygotes.

Submission:

Labcorp Genetics (formerly Invitae), Labcorp
Classification: Uncertain significance for Hereditary breast ovarian cancer syndrome. Last evaluated: 2025-09-01. Review status: criteria provided, single submitter. Criteria: Invitae Variant Classification Sherloc (09022015). Collection method: clinical testing. Allele origin: germline.
Comment: This sequence change replaces glutamine, which is neutral and polar, with arginine, which is basic and polar, at codon 2530 of the BRCA2 protein (p.Gln2530Arg). This variant is not present in population databases (gnomAD no frequency). This variant has not been reported in the literature in individuals affected with BRCA2-related conditions. ClinVar contains an entry for this variant (Variation ID: 1468516). Invitae Evidence Modeling of protein sequence and biophysical properties (such as structural, functional, and spatial information, amino acid conservation, physicochemical variation, residue mobility, and thermodynamic stability) indicates that this missense variant is not expected to disrupt BRCA2 protein function with a negative predictive value of 95%. In summary, the available evidence is currently insufficient to determine the role of this variant in disease. Therefore, it has been classified as a Variant of Uncertain Significance.

NM_000059.4(BRCA2):c.7589A>G (p.Gln2530Arg)

Gene: BRCA2 (BRCA2 DNA repair associated; plus strand). Cytogenetic location: 13q13.1.
Variant type: single nucleotide variant.
Coding change: c.7589A>G on transcript NM_000059.4 (MANE Select); coding-DNA position 7589, A replaced by G.
Protein change: p.Gln2530Arg; replaces glutamine 2530 with arginine.
Molecular consequence: missense variant.
Genome position (GRCh38, 1-based): chr13:32,356,581, A>G. VCF-style: chr13-32356581-A-G. GRCh37 (hg19) VCF-style: chr13-32930718-A-G.
Other names: short protein forms Q2530R.
Identifiers: ClinVar variation 1468516 (VCV001468516.8), dbSNP rs1252591831, ClinGen allele CA387743876.
Genomic context (GRCh38, chr13:32,356,581, plus strand): 5'-TGTATCTTGCAAAAACATCCACTCTGCCTCGAATCTCTCTGAAAGCAGCAGTAGGAGGCC[A>G]AGTTCCCTCTGCGTGTTCTCATAAACAGGTATGTGTTTGTCTACAATACTGATGGCTTTT-3'
Protein context (NP_000050.3, residues 2520-2540): RISLKAAVGG[Gln2530Arg]VPSACSHKQL